The following is an entry in ClinVar:

NM_001291415.2(KDM6A):c.3886C>T (p.Leu1296Phe)

Gene: KDM6A (lysine demethylase 6A; plus strand). Cytogenetic location: Xp11.3.
Variant type: single nucleotide variant.
Coding change: c.3886C>T on transcript NM_001291415.2 (MANE Select); coding-DNA position 3886, C replaced by T.
Protein change: p.Leu1296Phe; replaces leucine 1296 with phenylalanine.
Molecular consequence: missense variant. On other transcripts: non-coding transcript variant (1).
Genome position (GRCh38, 1-based): chrX:45,089,924, C>T. VCF-style: chrX-45089924-C-T. GRCh37 (hg19) VCF-style: chrX-44949169-C-T.
Other names: p.Leu1244Phe; c.3751C>T, p.Leu1251Phe (NM_001291416.2); c.3595C>T, p.Leu1199Phe (NM_001291417.2); c.3493C>T, p.Leu1165Phe (NM_001291418.2); c.2842C>T, p.Leu948Phe (NM_001291421.2); c.3628C>T, p.Leu1210Phe (NM_001410742.1); c.3730C>T, p.Leu1244Phe (NM_021140.4); short protein forms L1165F, L1199F, L1210F, L1244F, L1251F, L1296F, L948F.
Identifiers: ClinVar variation 1803792 (VCV001803792.3), dbSNP rs2523335532, ClinGen allele CA412807719.

ClinVar aggregate classification (germline): Uncertain significance (1 of 4 stars; one submission).

Conditions:
Kabuki syndrome 2 (KABUK2). Also called: KDM6A-Related Kabuki Syndrome. Identifiers: Orphanet 2322, MedGen C3275495, MONDO:0010465, OMIM 300867.

Allele frequency attached by ClinVar (database versions not stated): gnomAD exomes below 0.00001.
gnomAD v4.1: 1 of 1,204,341 alleles (0.000083%); highest among the groups gnomAD compares: South Asian, 0.0018%; no homozygotes.

Submission:

Foundation for Research in Genetics and Endocrinology, FRIGE's Institute of Human Genetics
Classification: Uncertain significance for Kabuki syndrome 2. Last evaluated: 2021-05-03. Review status: criteria provided, single submitter. Criteria: ACMG Guidelines, 2015. Collection method: research. Allele origin: maternal. Inheritance: X-linked inheritance. Affected: yes. Observed: 1 hemizygote.
Comment: A hemizygous missense variation in exon 25 of the KDM6A gene that results in the amino acid substitution of Phenylalanine for Leucine at codon 1244 was detected. The observed variant c.3730C>T (p.Leu1244Phe) has not been reported in the 1000 genomes and gnomAD databases. The in silico prediction of the variant is damaging by DANN, LRT and MutationTaster2. The reference codon is conserved across species. In summary, the variant meets our criteria to be classified as a variant of uncertain significance.